The following is an entry in ClinVar:

ClinVar aggregate classification (germline): Uncertain significance (1 of 4 stars; one submission).

Conditions:
Retinoblastoma (RB1). Also called: RETINOBLASTOMA, SOMATIC. Identifiers: Orphanet 790, MedGen C0035335, MeSH D012175, MONDO:0008380, OMIM 180200, HP:0009919. Disease mechanism: loss of function. Inheritance: Both sporadic and heritable forms are tested..

Submission:

Labcorp Genetics (formerly Invitae), Labcorp
Classification: Uncertain significance for Retinoblastoma. Last evaluated: 2024-12-18. Review status: criteria provided, single submitter. Criteria: Invitae Variant Classification Sherloc (09022015). Collection method: clinical testing. Allele origin: germline.
Comment: This variant occurs in a non-coding region of the RB1 gene. It does not change the encoded amino acid sequence of the RB1 protein. This variant is not present in population databases (gnomAD no frequency). This variant has not been reported in the literature in individuals affected with RB1-related conditions. Algorithms developed to predict the effect of sequence changes on RNA splicing suggest that this variant may create or strengthen a splice site. In summary, the available evidence is currently insufficient to determine the role of this variant in disease. Therefore, it has been classified as a Variant of Uncertain Significance.

NM_000321.3(RB1):c.-122G>T

Gene: RB1 (RB transcriptional corepressor 1; plus strand). Cytogenetic location: 13q14.2.
Variant type: single nucleotide variant.
Coding change: c.-122G>T on transcript NM_000321.3 (MANE Select); 122 bases upstream of the start codon, G replaced by T.
Molecular consequence: 5 prime UTR variant.
Genome position (GRCh38, 1-based): chr13:48,303,791, G>T. VCF-style: chr13-48303791-G-T. GRCh37 (hg19) VCF-style: chr13-48877927-G-T.
Other names: c.-122G>T (NM_001407165.1, NM_001407166.1, NM_001407167.1).
Identifiers: ClinVar variation 3707470 (VCV003707470.2).